The following is an entry in ClinVar:

ClinVar aggregate classification (germline): Uncertain significance (1 of 4 stars; one submission).

Conditions:
Hereditary cancer-predisposing syndrome. Also called: Neoplastic Syndromes, Hereditary; Tumor predisposition; Hereditary Cancer Syndrome; Hereditary neoplastic syndrome. Identifiers: Orphanet 140162, MedGen C0027672, MeSH D009386, MONDO:0015356.

Submission:

Color Diagnostics, LLC DBA Color Health
Classification: Uncertain significance for Hereditary cancer-predisposing syndrome. Last evaluated: 2023-12-04. Review status: criteria provided, single submitter. Criteria: ACMG Guidelines, 2015. Collection method: clinical testing. Allele origin: germline.
Comment: This missense variant replaces glutamic acid with valine at codon 27 of the BARD1 protein. Computational prediction suggests that this variant may not impact protein structure and function (internally defined REVEL score threshold <= 0.5, PMID: 27666373). To our knowledge, functional studies have not been reported for this variant. This variant has not been reported in individuals affected with BARD1-related disorders in the literature. This variant has not been identified in the general population by the Genome Aggregation Database (gnomAD). The available evidence is insufficient to determine the role of this variant in disease conclusively. Therefore, this variant is classified as a Variant of Uncertain Significance.

NM_000465.4(BARD1):c.80A>T (p.Glu27Val)

Gene: BARD1 (BRCA1 associated RING domain 1; minus strand). Cytogenetic location: 2q35.
Variant type: single nucleotide variant.
Coding change: c.80A>T on transcript NM_000465.4 (MANE Select); coding-DNA position 80, A replaced by T.
Protein change: p.Glu27Val; replaces glutamic acid 27 with valine.
Molecular consequence: missense variant. On other transcripts: non-coding transcript variant (3).
Genome position (GRCh38, 1-based): chr2:214,809,490, T>A on the plus strand (A>T on the coding strand, the complement: BARD1 is on the minus strand). VCF-style: chr2-214809490-T-A. GRCh37 (hg19) VCF-style: chr2-215674214-T-A.
Other names: c.80A>T, p.Glu27Val (NM_001282543.2, NM_001282545.2, NM_001282548.2 and 1 more transcripts); short protein forms E27V.
Identifiers: ClinVar variation 923970 (VCV000923970.4), dbSNP rs989352819, ClinGen allele CA350465128.
Genomic context (GRCh38, chr2:214,809,490, plus strand): 5'-AGCTTCTCCAGGCGGTCGAGCGCGGCGCGACTGTGGGCCCAGGCACCGCGACCATCCGGT[T>A]CCATGGCGGGCGCGGAACGAGGCTCGTTCCCGGAGCGGATCCTCGGCTGCCGGTTCCTCG-3'
Protein context (NP_000456.2, residues 17-37): GNEPRSAPAM[Glu27Val]PDGRGAWAHS